The following is an entry in ClinVar:

ClinVar aggregate classification (germline): Uncertain significance (1 of 4 stars; one submission).

Allele frequency attached by ClinVar (database versions not stated): TOPMed below 0.00001; gnomAD 0.00001; gnomAD exomes 0.00001; ExAC 0.00002.

Submission:

Labcorp Genetics (formerly Invitae), Labcorp
Classification: Uncertain significance. Last evaluated: 2023-07-14. Review status: criteria provided, single submitter. Criteria: Invitae Variant Classification Sherloc (09022015). Collection method: clinical testing. Allele origin: germline.
Comment: This sequence change replaces arginine, which is basic and polar, with tryptophan, which is neutral and slightly polar, at codon 200 of the KANK2 protein (p.Arg200Trp). This variant is present in population databases (rs748544134, gnomAD 0.007%). In summary, the available evidence is currently insufficient to determine the role of this variant in disease. Therefore, it has been classified as a Variant of Uncertain Significance. An algorithm developed to predict the effect of missense changes on protein structure and function (PolyPhen-2) suggests that this variant is likely to be disruptive. This variant has not been reported in the literature in individuals affected with KANK2-related conditions.

NM_001136191.3(KANK2):c.598C>T (p.Arg200Trp)

Gene: KANK2 (KN motif and ankyrin repeat domains 2; minus strand). Cytogenetic location: 19p13.2.
Variant type: single nucleotide variant.
Coding change: c.598C>T on transcript NM_001136191.3 (MANE Select); coding-DNA position 598, C replaced by T.
Protein change: p.Arg200Trp; replaces arginine 200 with tryptophan.
Molecular consequence: missense variant.
Genome position (GRCh38, 1-based): chr19:11,193,482, G>A on the plus strand (C>T on the coding strand, the complement: KANK2 is on the minus strand). VCF-style: chr19-11193482-G-A. GRCh37 (hg19) VCF-style: chr19-11304158-G-A.
Other names: c.598C>T, p.Arg200Trp (NM_001329451.2, NM_001379548.1, NM_001379549.1 and 15 more transcripts); short protein forms R200W.
Identifiers: ClinVar variation 2780913 (VCV002780913.3), dbSNP rs748544134, ClinGen allele CA9206014.
Genomic context (GRCh38, chr19:11,193,482, plus strand): 5'-GGAGCACCGAGAGCTTCACCTGGAGCACAGGGATCAGCTTCACCTGCTCCTCCAGCTGCC[G>A]CAGCTTCCGCAGGGCACCCGCCATCTGCTCCCGCACGTGGGCCAGGTGCCCGGCACTGGG-3'
Protein context (NP_001129663.1, residues 190-210): EQMAGALRKL[Arg200Trp]QLEEQVKLIP